The following is an entry in ClinVar:

NM_015443.4(KANSL1):c.454G>A (p.Ala152Thr)

Gene: KANSL1 (KAT8 regulatory NSL complex subunit 1). Cytogenetic location: 17q21.31.
Variant type: single nucleotide variant.
Coding change: c.454G>A on transcript NM_015443.4 (MANE Select); coding-DNA position 454, G replaced by A.
Protein change: p.Ala152Thr; replaces alanine 152 with threonine.
Molecular consequence: missense variant.
Genome position (GRCh38, 1-based): chr17:46,171,690, C>T on the plus strand (G>A on the coding strand, the complement: KANSL1 is on the minus strand). VCF-style: chr17-46171690-C-T. GRCh37 (hg19) VCF-style: chr17-44249056-C-T.
Other names: c.454G>A, p.Ala152Thr (NM_001193465.2, NM_001193466.2, NM_001379198.1); short protein forms A152T.
Identifiers: ClinVar variation 1357962 (VCV001357962.5), dbSNP rs538005482, ClinGen allele CA8619051.

ClinVar aggregate classification (germline): Uncertain significance (1 of 4 stars; one submission).

Conditions:
Koolen-de Vries syndrome (KDVS). Identifiers: Orphanet 96169, MedGen C1864871, MONDO:0012496, OMIM 610443.

Allele frequency attached by ClinVar (database versions not stated): ExAC 0.00001; gnomAD 0.00001; gnomAD exomes 0.00001; 1000 Genomes Project 30x 0.00016; 1000 Genomes Project 0.00020.

Submission:

Labcorp Genetics (formerly Invitae), Labcorp
Classification: Uncertain significance for Koolen-de Vries syndrome. Last evaluated: 2021-09-17. Review status: criteria provided, single submitter. Criteria: Invitae Variant Classification Sherloc (09022015). Collection method: clinical testing. Allele origin: germline.
Comment: Due to the possible presence of a polymorphic segmental duplication, the location of the variant could not be unambiguously resolved. Variants with ambiguous mapping are still reported relative to the KANSL1 transcript. This sequence change replaces alanine with threonine at codon 152 of the KANSL1 protein (p.Ala152Thr). The alanine residue is highly conserved and there is a small physicochemical difference between alanine and threonine. The frequency data for this variant in the population databases (ExAC) is considered unreliable due to the presence of homologous sequence, such as pseudogenes or paralogs, in the genome. This variant has not been reported in the literature in individuals with KANSL1-related conditions. Algorithms developed to predict the effect of missense changes on protein structure and function are either unavailable or do not agree on the potential impact of this missense change (SIFT: "Deleterious"; PolyPhen-2: "Benign"; Align-GVGD: "Class C0"). Until the location of this sequence change can be resolved, the clinical significance of this variant remains uncertain. It has been classified as a Variant of Uncertain Significance.